The following is an entry in ClinVar:

ClinVar aggregate classification (germline): Pathogenic (1 of 4 stars; one submission).

Conditions:
Inborn genetic diseases. Identifiers: MedGen C0950123, MeSH D030342.

Submission:

Ambry Genetics
Classification: Pathogenic for Inborn genetic diseases. Last evaluated: 2025-10-15. Review status: criteria provided, single submitter. Criteria: Ambry Variant Classification Scheme 2023. Collection method: clinical testing. Allele origin: germline.
Comment: The c.352+1G>A intronic variant consists of a G to A substitution one nucleotide after exon 5 (coding exon 4) of the TAOK1 gene. Alterations that disrupt the canonical splice site are expected to cause aberrant splicing, resulting in an abnormal protein or a transcript that is subject to nonsense-mediated mRNA decay. This variant was not reported in population-based cohorts in the Genome Aggregation Database (gnomAD). This variant was determined to be de novo in at least one individual with features consistent with TAOK1-related neurodevelopmental disorder (Ambry internal data). This nucleotide position is well conserved in available vertebrate species. In silico splice site analysis predicts that this alteration will weaken the native splice donor site. Based on the available evidence, this alteration is classified as pathogenic.

NM_020791.4(TAOK1):c.352+1G>A

Gene: TAOK1 (TAO kinase 1; plus strand). Cytogenetic location: 17q11.2.
Variant type: single nucleotide variant.
Coding change: c.352+1G>A on transcript NM_020791.4 (MANE Select); the canonical splice donor site of the intron after coding-DNA position 352, G replaced by A.
Molecular consequence: splice donor variant.
Genome position (GRCh38, 1-based): chr17:29,477,707, G>A. VCF-style: chr17-29477707-G-A. GRCh37 (hg19) VCF-style: chr17-27804725-G-A.
Other names: c.352+1G>A (NM_025142.1).
Identifiers: ClinVar variation 4632643 (VCV004632643.1).
Genomic context (GRCh38, chr17:29,477,707, plus strand): 5'-ACTTTTCCATGTAGCTTGTAATGGAATATTGTTTAGGATCTGCTTCGGATTTACTAGAAG[G>A]TAAGTTCCCTTTGATTATTTTTTAAAAAGTATTCACAGAATAAAATGATAATTTAGACAT-3'